The following is an entry in ClinVar:

NM_012434.5(SLC17A5):c.*588G>A

Gene: SLC17A5 (solute carrier family 17 member 5; minus strand). Cytogenetic location: 6q13.
Variant type: single nucleotide variant.
Coding change: c.*588G>A on transcript NM_012434.5 (MANE Select); 588 bases downstream of the stop codon, G replaced by A.
Molecular consequence: 3 prime UTR variant.
Genome position (GRCh38, 1-based): chr6:73,594,489, C>T on the plus strand (G>A on the coding strand, the complement: SLC17A5 is on the minus strand). VCF-style: chr6-73594489-C-T. GRCh37 (hg19) VCF-style: chr6-74304212-C-T.
Identifiers: ClinVar variation 908593 (VCV000908593.5), dbSNP rs533473425, ClinGen allele CA140968407.

ClinVar aggregate classification (germline): Likely benign. Review status: criteria provided, multiple submitters, no conflicts (2 of 4 stars). 3 submissions from 2 submitters: Likely benign (3). Last evaluated 2018-01-13.

Conditions:
Salla disease (SD). Also called: Sialuria, Finnish type; N-acetylneuraminic acid (NANA) storage disease (NSD); Infantile sialic acid storage disorder (ISSD); Less Severe FSASD (Salla Disease). Identifiers: Orphanet 309334, Orphanet 834, MedGen C1096903, MONDO:0011449, OMIM 604369.
Sialic acid storage disease, severe infantile type (ISSD). Also called: Infantile Sialic Acid Storage Disease; N-ACETYLNEURAMINIC ACID STORAGE DISEASE; NANA STORAGE DISEASE; SIALURIA, INFANTILE FORM; Free sialic acid storage disease, infantile form; INFANTILE SIALIC ACID STORAGE DISORDER. Identifiers: Orphanet 309324, Orphanet 834, MedGen C1096902, MONDO:0010027, OMIM 269920.

Allele frequency attached by ClinVar (database versions not stated): 1000 Genomes Project 30x 0.00203; TOPMed 0.00224; 1000 Genomes Project 0.00240; gnomAD 0.00304 and 0.00317; gnomAD exomes 0.00353.

Submissions (3):

Illumina Laboratory Services, Illumina
Classification: Likely benign for Salla disease. Last evaluated: 2018-01-13. Review status: criteria provided, single submitter. Criteria: ICSL Variant Classification Criteria 13 December 2019. Collection method: clinical testing. Allele origin: germline.
Comment: This variant was observed in the ICSL laboratory as part of a predisposition screen in an ostensibly healthy population. It had not been previously curated by ICSL or reported in the Human Gene Mutation Database (HGMD: prior to June 1st, 2018), and was therefore a candidate for classification through an automated scoring system. Utilizing variant allele frequency, disease prevalence and penetrance estimates, and inheritance mode, an automated score was calculated to assess if this variant is too frequent to cause the disease. Based on the score and internal cut-off values, a variant classified as likely benign is not then subjected to further curation. The score for this variant resulted in a classification of likely benign for this disease.

Illumina Laboratory Services, Illumina
Classification: Likely benign for Sialic acid storage disease, severe infantile type. Last evaluated: 2018-01-13. Review status: criteria provided, single submitter. Criteria: ICSL Variant Classification Criteria 13 December 2019. Collection method: clinical testing. Allele origin: germline.
Comment: the same text as in the submission from Illumina Laboratory Services, Illumina above.

Breakthrough Genomics
Classification: Likely benign. Review status: criteria provided, single submitter. Criteria: ACMG Guidelines, 2015. Collection method: not provided. Allele origin: germline. Inheritance: Autosomal recessive inheritance. Affected: yes.